The following is an entry in ClinVar:

NM_001291303.3(FAT4):c.13206C>A (p.Gly4402=)

Gene: FAT4 (FAT atypical cadherin 4; plus strand). Cytogenetic location: 4q28.1.
Variant type: single nucleotide variant.
Coding change: c.13206C>A on transcript NM_001291303.3 (MANE Select); coding-DNA position 13206, C replaced by A.
Protein change: p.Gly4402=; no amino-acid change (glycine 4402 retained).
Molecular consequence: synonymous variant.
Genome position (GRCh38, 1-based): chr4:125,490,022, C>A. VCF-style: chr4-125490022-C-A. GRCh37 (hg19) VCF-style: chr4-126411177-C-A.
Other names: c.13203C>A, p.Gly4401= (NM_001291285.3); c.13200C>A, p.Gly4400= (NM_024582.6).
Identifiers: ClinVar variation 1180897 (VCV001180897.20), dbSNP rs200101519, ClinGen allele CA3074321.

ClinVar aggregate classification (germline): Likely benign. Review status: criteria provided, multiple submitters, no conflicts (2 of 4 stars). 7 submissions from 7 submitters: Likely benign (4). 3 of the submissions do not count toward it. Last evaluated 2025-12-16.

Allele frequency attached by ClinVar (database versions not stated): gnomAD exomes 0.00012; ESP Exome Variant Server 0.00015; ExAC 0.00016; TOPMed 0.00027; gnomAD 0.00031 and 0.00032.
gnomAD v4.1: 489 of 1,613,858 alleles (0.03%); highest among the groups gnomAD compares: Non-Finnish European, 0.04%; no homozygotes.

Submissions (7):

Labcorp Genetics (formerly Invitae), Labcorp
Classification: Likely benign. Last evaluated: 2025-12-16. Review status: criteria provided, single submitter. Criteria: Invitae Variant Classification Sherloc (09022015). Collection method: clinical testing. Allele origin: germline.

CeGaT Center for Human Genetics Tuebingen
Classification: Likely benign. Last evaluated: 2025-09-01. Review status: criteria provided, single submitter. Criteria: CeGaT Center For Human Genetics Tuebingen Variant Classification Criteria Version 2. Collection method: clinical testing. Allele origin: germline. Affected: yes. Observed: 1 variant allele.
Comment: FAT4: BP4, BP7

Blueprint Genetics
Classification: Likely benign. Last evaluated: 2024-06-21. Review status: criteria provided, single submitter. Criteria: ACMG Guidelines, 2015. Collection method: clinical testing. Allele origin: germline.

GeneDx
Classification: Likely benign. Last evaluated: 2020-09-29. Review status: criteria provided, single submitter. Criteria: GeneDx Variant Classification Process June 2021. Collection method: clinical testing. Allele origin: germline. Affected: yes.
Comment: Located in a region that tolerates variation and lacks pathogenic variants

Clinical Genetics DNA and cytogenetics Diagnostics Lab, Erasmus MC, Erasmus Medical Center
Classification: Likely benign. Review status: no assertion criteria provided. Collection method: clinical testing. Allele origin: germline. Affected: yes. Study: VKGL Data-share Consensus. Not counted in ClinVar's aggregate classification.

Clinical Genetics, Academic Medical Center
Classification: Likely benign. Review status: no assertion criteria provided. Collection method: clinical testing. Allele origin: germline. Affected: yes. Study: VKGL Data-share Consensus. Not counted in ClinVar's aggregate classification.

Genome Diagnostics Laboratory, University Medical Center Utrecht
Classification: Likely benign. Review status: no assertion criteria provided. Collection method: clinical testing. Allele origin: germline. Affected: yes. Study: VKGL Data-share Consensus. Not counted in ClinVar's aggregate classification.